The following is an entry in ClinVar:

ClinVar aggregate classification (germline): Uncertain significance (1 of 4 stars; one submission).

Conditions:
Cystic fibrosis (CF). Also called: MUCOVISCIDOSIS. Identifiers: Orphanet 586, MedGen C0010674, MONDO:0009061, OMIM 219700. Disease mechanism: loss of function.

Allele frequency attached by ClinVar (database versions not stated): TOPMed 0.00001.
gnomAD v4.1: 1 of 1,613,946 alleles (0.000062%); highest among the groups gnomAD compares: South Asian, 0.0011%; no homozygotes.

Submission:

Ambry Genetics
Classification: Uncertain significance for Cystic fibrosis. Last evaluated: 2023-08-29. Review status: criteria provided, single submitter. Criteria: Ambry Variant Classification Scheme 2023. Collection method: clinical testing. Allele origin: germline.
Comment: The p.A238S variant (also known as c.712G>T), located in coding exon 6 of the CFTR gene, results from a G to T substitution at nucleotide position 712. The alanine at codon 238 is replaced by serine, an amino acid with similar properties. This amino acid position is conserved. In addition, the in silico prediction for this alteration is inconclusive. Since supporting evidence is limited at this time, the clinical significance of this alteration remains unclear.

NM_000492.4(CFTR):c.712G>T (p.Ala238Ser)

Gene: CFTR (CF transmembrane conductance regulator; plus strand). Cytogenetic location: 7q31.2.
Variant type: single nucleotide variant.
Coding change: c.712G>T on transcript NM_000492.4 (MANE Select); coding-DNA position 712, G replaced by T.
Protein change: p.Ala238Ser; replaces alanine 238 with serine.
Molecular consequence: missense variant.
Genome position (GRCh38, 1-based): chr7:117,535,380, G>T. VCF-style: chr7-117535380-G-T. GRCh37 (hg19) VCF-style: chr7-117175434-G-T.
Other names: short protein forms A238S.
Identifiers: ClinVar variation 1757310 (VCV001757310.3), dbSNP rs1413926814, ClinGen allele CA368977125.